The following is an entry in ClinVar:

NM_002161.6(IARS1):c.1924G>T (p.Glu642Ter)

Gene: IARS1 (isoleucyl-tRNA synthetase 1; minus strand). Cytogenetic location: 9q22.31.
Variant type: single nucleotide variant.
Coding change: c.1924G>T on transcript NM_002161.6 (MANE Select); coding-DNA position 1924, G replaced by T.
Protein change: p.Glu642Ter; replaces glutamic acid 642 with a stop codon.
Molecular consequence: nonsense. On other transcripts: non-coding transcript variant (1).
Genome position (GRCh38, 1-based): chr9:92,258,946, C>A on the plus strand (G>T on the coding strand, the complement: IARS1 is on the minus strand). VCF-style: chr9-92258946-C-A. GRCh37 (hg19) VCF-style: chr9-95021228-C-A.
Other names: c.1924G>T, p.Glu642Ter (NM_001374300.1, NM_001378572.1, NM_001378573.1 and 13 more transcripts); c.1840G>T, p.Glu614Ter (NM_001374301.1); c.1987G>T, p.Glu663Ter (NM_001378569.1); c.1945G>T, p.Glu649Ter (NM_001378571.1); c.1801G>T, p.Glu601Ter (NM_001378583.1); short protein forms E649*, E601*, E663*, E614*, E642*.
Identifiers: ClinVar variation 2746671 (VCV002746671.3), dbSNP rs1379813032, ClinGen allele CA373817684.

ClinVar aggregate classification (germline): Pathogenic (1 of 4 stars; one submission).

Submission:

Labcorp Genetics (formerly Invitae), Labcorp
Classification: Pathogenic. Last evaluated: 2023-05-29. Review status: criteria provided, single submitter. Criteria: Invitae Variant Classification Sherloc (09022015). Collection method: clinical testing. Allele origin: germline.
Comment: For these reasons, this variant has been classified as Pathogenic. This variant has not been reported in the literature in individuals affected with IARS-related conditions. This variant is not present in population databases (gnomAD no frequency). This sequence change creates a premature translational stop signal (p.Glu642*) in the IARS gene. It is expected to result in an absent or disrupted protein product. Loss-of-function variants in IARS are known to be pathogenic (PMID: 27426735, 27891590).

Literature cited by the submitters: PubMed 27426735; PubMed 27891590.